The following is an entry in ClinVar:

NM_201384.3(PLEC):c.5795C>T (p.Ala1932Val)

Gene: PLEC (plectin; minus strand). Cytogenetic location: 8q24.3.
Variant type: single nucleotide variant.
Coding change: c.5795C>T on transcript NM_201384.3 (MANE Select); coding-DNA position 5795, C replaced by T.
Protein change: p.Ala1932Val; replaces alanine 1932 with valine.
Molecular consequence: missense variant.
Genome position (GRCh38, 1-based): chr8:143,924,134, G>A on the plus strand (C>T on the coding strand, the complement: PLEC is on the minus strand). VCF-style: chr8-143924134-G-A. GRCh37 (hg19) VCF-style: chr8-144998302-G-A.
Other names: c.5876C>T, p.Ala1959Val (NM_000445.5); c.5753C>T, p.Ala1918Val (NM_201378.4); c.5729C>T, p.Ala1910Val (NM_201379.3); c.6206C>T, p.Ala2069Val (NM_201380.4); c.5699C>T, p.Ala1900Val (NM_201381.3); c.5795C>T, p.Ala1932Val (NM_201382.4); c.5807C>T, p.Ala1936Val (NM_201383.3); c.5876C>T (NM_000445.4); short protein forms A1900V, A1910V, A1918V, A1932V, A1936V, A1959V, A2069V.
Identifiers: ClinVar variation 1215529 (VCV001215529.7), dbSNP rs201624086, ClinGen allele CA4926237.

ClinVar aggregate classification (germline): Conflicting classifications of pathogenicity. Review status: criteria provided, conflicting classifications (1 of 4 stars). 4 submissions from 4 submitters: Uncertain significance (3); Likely benign (1). Last evaluated 2025-12-02.

Conditions:
PLEC-related disorder. Also called: PLEC-related condition; PLEC-related disorders.
Inborn genetic diseases. Identifiers: MedGen C0950123, MeSH D030342.
Autosomal recessive limb-girdle muscular dystrophy type 2Q (LGMDR17). Also called: MUSCULAR DYSTROPHY, LIMB-GIRDLE, AUTOSOMAL RECESSIVE 17. Identifiers: Orphanet 254361, MedGen C3150989, MONDO:0013390, OMIM 613723.
Epidermolysis bullosa simplex 5B, with muscular dystrophy (EBS5B). Also called: Epidermolysis bullosa simplex with muscular dystrophy; EPIDERMOLYSIS BULLOSA SIMPLEX AND LIMB-GIRDLE MUSCULAR DYSTROPHY. Identifiers: Orphanet 257, MedGen C2931072, MONDO:0009181, OMIM 226670.
Epidermolysis bullosa simplex, Ogna type (EBS5A). Also called: EPIDERMOLYSIS BULLOSA SIMPLEX 5A, OGNA TYPE; Pidermolysis bullosa simplex 5A, Ogna type. Identifiers: Orphanet 79401, MedGen C0432317, MONDO:0007555, OMIM 131950.
Epidermolysis bullosa simplex 5C, with pyloric atresia (EBS5C). Also called: PLEC-Related Epidermolysis Bullosa with Pyloric Atresia; Epidermolysis bullosa simplex with pyloric atresia; PLEC1-Related Epidermolysis Bullosa with Pyloric Atresia. Identifiers: Orphanet 158684, MedGen C2677349, MONDO:0012807, OMIM 612138.
Epidermolysis bullosa simplex with nail dystrophy (EBS5D). Identifiers: MedGen C4225309, MONDO:0014661, OMIM 616487.

Allele frequency attached by ClinVar (database versions not stated): gnomAD 0.00002 and 0.00003; TOPMed 0.00002; ExAC 0.00003; gnomAD exomes 0.00003; 1000 Genomes Project 30x 0.00016; 1000 Genomes Project 0.00020.
gnomAD v4.1: 47 of 1,598,740 alleles (0.0029%); highest among the groups gnomAD compares: East Asian, 0.0089%; no homozygotes.

Submissions (4):

PreventionGenetics, part of Exact Sciences
Classification: Uncertain significance for PLEC-related condition. Last evaluated: 2025-12-02. Review status: criteria provided, single submitter. Criteria: ACMG Guidelines, 2015. Collection method: clinical testing. Allele origin: germline.
Comment: The PLEC c.5876C>T variant is predicted to result in the amino acid substitution p.Ala1959Val. To our knowledge, this variant has not been reported in the literature. This variant is reported in 0.0099% of alleles in individuals of South Asian descent in gnomAD. At this time, the clinical significance of this variant is uncertain due to the absence of conclusive functional and genetic evidence.

Ambry Genetics
Classification: Uncertain significance for Inborn genetic diseases. Last evaluated: 2025-05-28. Review status: criteria provided, single submitter. Criteria: Ambry Variant Classification Scheme 2023. Collection method: clinical testing. Allele origin: germline.

Labcorp Genetics (formerly Invitae), Labcorp
Classification: Uncertain significance for Autosomal recessive limb-girdle muscular dystrophy type 2Q; Epidermolysis bullosa simplex, Ogna type; Epidermolysis bullosa simplex with nail dystrophy; Epidermolysis bullosa simplex 5C, with pyloric atresia; Epidermolysis bullosa simplex 5B, with muscular dystrophy. Last evaluated: 2025-01-30. Review status: criteria provided, single submitter. Criteria: Invitae Variant Classification Sherloc (09022015). Collection method: clinical testing. Allele origin: germline.
Comment: This sequence change replaces alanine, which is neutral and non-polar, with valine, which is neutral and non-polar, at codon 1959 of the PLEC protein (p.Ala1959Val). This variant is present in population databases (rs201624086, gnomAD 0.01%). This variant has not been reported in the literature in individuals affected with PLEC-related conditions. ClinVar contains an entry for this variant (Variation ID: 1215529). An algorithm developed to predict the effect of missense changes on protein structure and function outputs the following: PolyPhen-2: "Not Available". The valine amino acid residue is found in multiple mammalian species, which suggests that this missense change does not adversely affect protein function. In summary, the available evidence is currently insufficient to determine the role of this variant in disease. Therefore, it has been classified as a Variant of Uncertain Significance.

GeneDx
Classification: Likely benign. Last evaluated: 2019-03-14. Review status: criteria provided, single submitter. Criteria: GeneDx Variant Classification Process June 2021. Collection method: clinical testing. Allele origin: germline. Affected: yes.